The following is an entry in ClinVar:

ClinVar aggregate classification (germline): Uncertain significance. Review status: criteria provided, multiple submitters, no conflicts (2 of 4 stars). 5 submissions from 5 submitters: Uncertain significance (4). 1 of the submissions does not count toward it. Last evaluated 2025-10-01.

Conditions:
RAD50-related disorder. Also called: RAD50-related condition.
Hereditary cancer-predisposing syndrome. Also called: Hereditary neoplastic syndrome; Tumor predisposition; Hereditary Cancer Syndrome; Neoplastic Syndromes, Hereditary. Identifiers: Orphanet 140162, MedGen C0027672, MeSH D009386, MONDO:0015356.
Nijmegen breakage syndrome-like disorder (NBSLD). Also called: MICROCEPHALY AND SPONTANEOUS CHROMOSOME INSTABILITY WITHOUT IMMUNODEFICIENCY; NBS-LIKE DISORDER; RAD50 DEFICIENCY. Identifiers: Orphanet 240760, MedGen C2751318, MONDO:0013118, OMIM 613078.

Allele frequency attached by ClinVar (database versions not stated): ExAC 0.00001; gnomAD exomes 0.00002; gnomAD 0.00003 and 0.00004; TOPMed 0.00004.
gnomAD v4.1: 30 of 1,613,972 alleles (0.0019%); highest among the groups gnomAD compares: Non-Finnish European, 0.0024%; no homozygotes.

Submissions (5):

Ambry Genetics
Classification: Uncertain significance for Hereditary cancer-predisposing syndrome. Last evaluated: 2025-10-01. Review status: criteria provided, single submitter. Criteria: Ambry Variant Classification Scheme 2023. Collection method: clinical testing. Allele origin: germline.
Comment: The p.K398E variant (also known as c.1192A>G), located in coding exon 8 of the RAD50 gene, results from an A to G substitution at nucleotide position 1192. The lysine at codon 398 is replaced by glutamic acid, an amino acid with similar properties. This amino acid position is not well conserved in available vertebrate species. In addition, this alteration is predicted to be tolerated by in silico analysis. Since supporting evidence is limited at this time, the clinical significance of this alteration remains unclear.

Quest Diagnostics Nichols Institute San Juan Capistrano
Classification: Uncertain significance. Last evaluated: 2025-05-26. Review status: criteria provided, single submitter. Criteria: Quest Diagnostics criteria. Collection method: clinical testing. Allele origin: unknown.
Comment: The RAD50 c.1192A>G (p.Lys398Glu) variant has been observed in the published literature in individuals with breast cancer and a reportedly unaffected individual (PMID: 33471991 (2021), see also LOVD). The frequency of this variant in the general population (Genome Aggregation Database) is uninformative in the assessment of its pathogenicity. Analysis of this variant using bioinformatics tools for the prediction of the effect of amino acid changes on protein structure and function yielded predictions that this variant is benign. Based on the available information, we are unable to determine the clinical significance of this variant.

Labcorp Genetics (formerly Invitae), Labcorp
Classification: Uncertain significance for Hereditary cancer-predisposing syndrome. Last evaluated: 2023-10-14. Review status: criteria provided, single submitter. Criteria: Invitae Variant Classification Sherloc (09022015). Collection method: clinical testing. Allele origin: germline.
Comment: This sequence change replaces lysine, which is basic and polar, with glutamic acid, which is acidic and polar, at codon 398 of the RAD50 protein (p.Lys398Glu). This variant is present in population databases (rs756173890, gnomAD 0.02%). This variant has not been reported in the literature in individuals affected with RAD50-related conditions. ClinVar contains an entry for this variant (Variation ID: 219813). Advanced modeling of protein sequence and biophysical properties (such as structural, functional, and spatial information, amino acid conservation, physicochemical variation, residue mobility, and thermodynamic stability) performed at Invitae indicates that this missense variant is not expected to disrupt RAD50 protein function. In summary, the available evidence is currently insufficient to determine the role of this variant in disease. Therefore, it has been classified as a Variant of Uncertain Significance.

Fulgent Genetics
Classification: Uncertain significance for Nijmegen breakage syndrome-like disorder. Last evaluated: 2018-10-31. Review status: criteria provided, single submitter. Criteria: ACMG Guidelines, 2015. Collection method: clinical testing. Allele origin: unknown.

PreventionGenetics, part of Exact Sciences
Classification: Uncertain significance for RAD50-related condition. Last evaluated: 2024-03-28. Review status: no assertion criteria provided. Collection method: clinical testing. Allele origin: germline. Not counted in ClinVar's aggregate classification.
Comment: The RAD50 c.1192A>G variant is predicted to result in the amino acid substitution p.Lys398Glu. To our knowledge, this variant has not been reported in the literature. This variant is reported in 0.019% of alleles in individuals of European (Non-Finnish) descent in gnomAD and is interpreted as uncertain in ClinVar. At this time, the clinical significance of this variant is uncertain due to the absence of conclusive functional and genetic evidence.

Literature cited by the submitters: PubMed 33471991 (cited by Quest Diagnostics Nichols Institute San Juan Capistrano).

NM_005732.4(RAD50):c.1192A>G (p.Lys398Glu)

Gene: RAD50 (RAD50 double strand break repair protein; plus strand). Cytogenetic location: 5q31.1.
Variant type: single nucleotide variant.
Coding change: c.1192A>G on transcript NM_005732.4 (MANE Select); coding-DNA position 1192, A replaced by G.
Protein change: p.Lys398Glu; replaces lysine 398 with glutamic acid.
Molecular consequence: missense variant.
Genome position (GRCh38, 1-based): chr5:132,588,827, A>G. VCF-style: chr5-132588827-A-G. GRCh37 (hg19) VCF-style: chr5-131924519-A-G.
Other names: short protein forms K398E.
Identifiers: ClinVar variation 219813 (VCV000219813.17), dbSNP rs756173890, ClinGen allele CA350384.